The following continues an entry in ClinVar:

NM_000218.3(KCNQ1):c.1552C>T (p.Arg518Ter)

Gene: KCNQ1. ClinVar aggregate classification (germline): Likely pathogenic. Likely pathogenic (1).

Submissions 19 to 26 of 37:

Clinical Genomics Laboratory, Stanford Medicine
Classification: Pathogenic for Long QT syndrome 1; Jervell and Lange-Nielsen syndrome 1. Last evaluated: 2023-02-17. Review status: criteria provided, single submitter. Criteria: ACMG Guidelines, 2015. Collection method: clinical testing. Allele origin: germline. Observed: 1 variant allele, 1 heterozygote. Not counted in ClinVar's aggregate classification.
Comment: The p.Arg518* variant in the KCNQ1 gene is recognized as a founder mutation in the Swedish population (PMID: 26019114) and has been identified in many unrelated individuals with autosomal dominant long QT syndrome (LQTS), although some may exhibit mild phenotype or reduced penetrance. This variant has also been reported in the compound heterozygous and homozygous state in many individuals affected with autosomal recessive Jervell and Lange-Nielsen syndrome (PMID:10482963; PMID:24552659). This variant was determined to be in trans with other likely pathogenic/pathogenic variants, consistent with autosomal recessive inheritance (PMID:10482963; PMID:24552659). The presence of this variant with other likely disease-causing variants on the opposite allele increases suspicion for its pathogenicity. This variant has also been identified in 20/113712 (European Non-Finnish) chromosomes (26/251412 chromosomes overall) by the Genome Aggregation Database. This variant is present in ClinVar (Accession: VCV000003131.66). This variant leads to a premature stop codon in exon 12 of 16 coding exons, and is therefore predicted to undergo nonsense-mediated decay resulting in a truncated or absent protein. Heterozygous loss of function is an established mechanism of disease for the KCNQ1 gene. These data were assessed using the ACMG/AMP variant interpretation guidelines. In summary, there is sufficient evidence to classify the p.Arg518* variant as pathogenic for autosomal dominant long QT syndrome and autosomal recessive Jervell and Lange-Nielsen syndrome based on the information above. [ACMG evidence codes used: PVS1; PM3_Strong]

Clinical Genetics Laboratory, Skane University Hospital Lund
Classification: Pathogenic. Last evaluated: 2022-07-05. Review status: criteria provided, single submitter. Criteria: ACMG Guidelines, 2015. Collection method: clinical testing. Allele origin: germline. Affected: yes. Not counted in ClinVar's aggregate classification.

Clinical Genetics Laboratory, Region Ostergotland
Classification: Pathogenic for Long QT syndrome 1. Last evaluated: 2021-02-22. Review status: criteria provided, single submitter. Criteria: ACMG Guidelines, 2015. Collection method: clinical testing. Allele origin: germline. Affected: yes. Not counted in ClinVar's aggregate classification.
Comment: PVS1, PS3, PP5, PS4

GeneDx
Classification: Pathogenic. Last evaluated: 2020-04-01. Review status: criteria provided, single submitter. Criteria: GeneDx Variant Classification Process June 2021. Collection method: clinical testing. Allele origin: germline. Affected: yes. Not counted in ClinVar's aggregate classification.
Comment: Nonsense variant predicted to result in protein truncation or nonsense mediated decay in a gene for which loss-of-function is a known mechanism of disease; Reported in ClinVar as a pathogenic variant (ClinVar Variant ID# 3131; Landrum et al., 2016); Published functional studies demonstrate a damaging effect (Ghosh et al., 2006; Harmer et al., 2014); This variant is associated with the following publications: (PMID: 16556866, 24912595, 23392653, 10737999, 25236808, 10482963, 11530100, 10704188, 24552659, 19716085, 24052033, 27286732, 31447099, 31737537, 28988457, 28438721, 22309168, 19841300, 26318259, 26669661, 27831900, 27816319, 19940153, 15840476, 18752142, 17905336, 29740400, 27451284, 15935335, 26187847, 24080067, 26019114, 14510661, 14678125, 25637381, 25525159, 29922582, 29247119, 29379719, 15176425, 22539601, 24631775, 23098067, 10973849, 26546361)

Cavalleri Lab, Royal College of Surgeons in Ireland
Classification: Pathogenic for Long QT syndrome 1. Last evaluated: 2019-12-11. Review status: criteria provided, single submitter. Criteria: ACMG Guidelines, 2015. Collection method: research. Allele origin: de novo. Inheritance: Sporadic. Affected: yes. Not counted in ClinVar's aggregate classification.
Comment: ACMG evidence PVS1, PS2, PP5

Laboratory for Molecular Medicine, Mass General Brigham Personalized Medicine
Classification: Pathogenic for Familial long QT syndrome. Last evaluated: 2019-10-02. Review status: criteria provided, single submitter. Criteria: LMM Criteria. Collection method: clinical testing. Allele origin: germline. Observed: 13 variant alleles. Not counted in ClinVar's aggregate classification.
Comment: The p.Arg518X variant in KCNQ1 was reported in the heterozygous state in 6 individuals with autosomal dominant long QT syndrome (LQTS) and in the compound heterozygous state in 2 siblings with severe autosomal recessive LQTS (Larsen 1999, Stattin 2012). It has also been reported in the compound heterozygous and homozygous state in >13 individuals with Jervell and Lange-Nielsen syndrome (JLNS) and segregated with disease in >6 individuals from 2 families (Tranebjaerg 1999, Ning 2003, Wimbo 2012, Wimbo 2014). Relatives of these individuals who were heterozygous carriers of this variant were either clinically asymptomatic for LQTS or had a modestly prolonged QT interval (Larsen 1999, Ning 2003) suggesting reduced penetrance and variable expressivity. This variant has also been reported by other clinical labs in ClinVar (Variation ID 3131) and has been identified in 0.02% (21/111682) of European chromosomes by gnomAD. Please note that for diseases with late-onset, reduced penetrance, or recessive inheritance, pathogenic variants may be present at a low frequency in the general population. This nonsense variant leads to a premature termination codon at position 518, which is predicted to lead to a truncated or absent protein. In vitro functional studies provide support for an impact of the p.Arg518X variant to protein function (Harmer 2012, Harmer 2014, Slaats 2015). Loss-of-function variants in KCNQ1 are associated with autosomal recessive JLNS and autosomal dominant LQTS (also known as Romano-Ward syndrome). In summary, this variant meets criteria to be classified as pathogenic for autosomal dominant LQTS (ACMG/AMP criteria applied: PVS1, PS4_Moderate, PS3_Supporting) and autosomal recessive JLNS (ACMG/AMP criteria applied: PVS1, PM2_Supporting, PS3_Supporting, PM3_Strong).

Illumina Laboratory Services, Illumina
Classification: Pathogenic for KCNQ1-Related Disorders. Last evaluated: 2018-10-23. Review status: criteria provided, single submitter. Criteria: ICSL Variant Classification Criteria 09 May 2019. Collection method: clinical testing. Allele origin: germline. Not counted in ClinVar's aggregate classification.
Comment: The KCNQ1 c.1552C>T (p.Arg518Ter) variant is a stop-gained variant predicted to result in premature termination of the protein. Across a selection of available literature, the p.Arg518Ter variant has been identified in at least 111 individuals with KCNQ1-related disorders including at least eight in a homozygous state, at least 10 in a compound heterozygous state, and 93 in a heterozygous state (Larsen et al. 1999; Wei et al. 2000; Stattin et al. 2012; Giudicessi et al. 2013; Winbo et al. 2014). The variant was also found in two unaffected individuals in a heterozygous state (Larsen et al. 1999; Wei et al. 2000). The p.Arg518Ter variant was absent from 200 control chromosomes and is reported at a frequency of 0.00024 in the European (non-Finnish) population of the Exome Aggregation Consortium. This variant has been classified as a founder variant from a specific region of Sweden (Winbo et al. 2015) but has also been detected in other populations (Larsen et al. 1999; Wei et al. 2000; Giudicessi et al. 2013). Individuals carrying the variant in a compound heterozygous or homozygous state have a more severe phenotype compared to those with the variant in a heterozygous state (Winbo et al. 2015). To assess the functional effects of the p.Arg518Ter variant, fluorescently labelled KCNQ1 variant constructs were transfected in CHO-K1 cells and confocal microscopy was used to visualize localization of channel complexes. Two studies demonstrated that channel trafficking was disrupted in the presence of the variant whereby a high concentration of the complexes was retained in the endoplasmic reticulum (Wilson et al. 2005; Harmer et al. 2014). In addition, whole-cell patch clamp experiments were used to evaluate current flow and demonstrated that the p.Arg518Ter variant did not produce any current (Ghosh et al. 2006). Based on the collective evidence, the p.Arg518Ter variant is classified as pathogenic for KCNQ1-related disorders. This variant was observed by ICSL as part of a predisposition screen in an ostensibly healthy population.

Women's Health and Genetics/Laboratory Corporation of America, LabCorp
Classification: Pathogenic for Long QT syndrome. Last evaluated: 2018-10-16. Review status: criteria provided, single submitter. Criteria: LabCorp Variant Classification Summary - May 2015. Collection method: clinical testing. Allele origin: germline. Not counted in ClinVar's aggregate classification.
Comment: Variant summary: KCNQ1 c.1552C>T (p.Arg518X) results in a premature termination codon, predicted to cause a truncation of the encoded protein or absence of the protein due to nonsense mediated decay, which are commonly known mechanisms for disease. The variant allele was found at a frequency of 0.00011 in 246226 control chromosomes (gnomAD). This frequency is not higher than expected for a pathogenic variant in KCNQ1 causing autosomal recessive LQTS (0.00011 vs 0.013), allowing no conclusion about variant significance. The variant, c.1552C>T, has been reported in the literature as a founder mutation in the Swedish population, in several homozygous and compound heterozygous individuals, who were affected with autosomal recessive long QT syndrome (LQTS) with intact auditory phenotype or with deafness (later designated as Jervell and Lange-Nielsen syndrome) (Larsen 1999, Giudicessi 2013, Winbo 2012). In these reports, family members, who were heterozygous carriers of the variant, were typically clinically asymptomatic, with a mildly prolonged QT interval detected by EKG; although rare cases of symptomatic long QT syndrome (LQTS) with intact auditory phenotype (denoted as Romano-Ward syndrome) were also reported (Winbo 2012). These data indicate that the variant is very likely to be associated with disease. At least one publication reported experimental evidence evaluating an impact on protein function, demonstrating non-functional channels when the variant protein was expressed alone; while co-expression of the variant protein with the wild type channel did not indicate dominant negative effect (Mousavi Nik 2015). Seven clinical diagnostic laboratories have submitted clinical-significance assessments for this variant to ClinVar after 2014 without evidence for independent evaluation. All laboratories classified the variant as pathogenic. Based on the evidence outlined above, the variant was classified as pathogenic for autosomal recessive long QT syndrome.